The following is an entry in ClinVar:

NM_004859.4(CLTC):c.556G>A (p.Val186Ile)

Gene: CLTC (clathrin heavy chain; plus strand). Cytogenetic location: 17q23.1.
Variant type: single nucleotide variant.
Coding change: c.556G>A on transcript NM_004859.4 (MANE Select); coding-DNA position 556, G replaced by A.
Protein change: p.Val186Ile; replaces valine 186 with isoleucine.
Molecular consequence: missense variant.
Genome position (GRCh38, 1-based): chr17:59,648,276, G>A. VCF-style: chr17-59648276-G-A. GRCh37 (hg19) VCF-style: chr17-57725637-G-A.
Other names: c.568G>A, p.Val190Ile (NM_001288653.2); short protein forms V186I, V190I.
Identifiers: ClinVar variation 2707145 (VCV002707145.3), dbSNP rs367840133, ClinGen allele CA8681077.

ClinVar aggregate classification (germline): Uncertain significance (1 of 4 stars; one submission).

Allele frequency attached by ClinVar (database versions not stated): TOPMed below 0.00001; ExAC 0.00001; gnomAD 0.00001; ESP Exome Variant Server 0.00008.
gnomAD v4.1: 2 of 1,613,980 alleles (0.00012%); highest among the groups gnomAD compares: Non-Finnish European, 0.00017%; no homozygotes.

Submission:

Labcorp Genetics (formerly Invitae), Labcorp
Classification: Uncertain significance. Last evaluated: 2024-01-10. Review status: criteria provided, single submitter. Criteria: Invitae Variant Classification Sherloc (09022015). Collection method: clinical testing. Allele origin: germline.
Comment: This sequence change replaces valine, which is neutral and non-polar, with isoleucine, which is neutral and non-polar, at codon 190 of the CLTC protein (p.Val190Ile). This variant is present in population databases (rs367840133, gnomAD 0.0009%). This variant has not been reported in the literature in individuals affected with CLTC-related conditions. Advanced modeling of protein sequence and biophysical properties (such as structural, functional, and spatial information, amino acid conservation, physicochemical variation, residue mobility, and thermodynamic stability) performed at Invitae indicates that this missense variant is not expected to disrupt CLTC protein function with a negative predictive value of 80%. In summary, the available evidence is currently insufficient to determine the role of this variant in disease. Therefore, it has been classified as a Variant of Uncertain Significance.